The following is an entry in ClinVar:

NM_001203.3(BMPR1B):c.*1559A>G

Gene: BMPR1B (bone morphogenetic protein receptor type 1B; plus strand). Cytogenetic location: 4q22.3.
Variant type: single nucleotide variant.
Coding change: c.*1559A>G on transcript NM_001203.3 (MANE Select); 1559 bases downstream of the stop codon, A replaced by G.
Molecular consequence: 3 prime UTR variant.
Genome position (GRCh38, 1-based): chr4:95,156,232, A>G. VCF-style: chr4-95156232-A-G. GRCh37 (hg19) VCF-style: chr4-96077383-A-G.
Other names: c.*1559A>G (NM_001256792.2, NM_001256793.2, NM_001256794.1).
Identifiers: ClinVar variation 350152 (VCV000350152.6), dbSNP rs2289044, ClinGen allele CA10622020.

ClinVar aggregate classification (germline): Benign. Review status: criteria provided, multiple submitters, no conflicts (2 of 4 stars). 2 submissions from 2 submitters: Benign (2). Last evaluated 2018-01-13.

Conditions:
Brachydactyly. Also called: Brachydactyly syndrome; Brachydactyly (disease). Identifiers: MedGen C0221357, MONDO:0021004, HP:0001156.

Allele frequency attached by ClinVar (database versions not stated): 1000 Genomes Project 0.59345; 1000 Genomes Project 30x 0.59760; gnomAD 0.63966 and 0.64829; TOPMed 0.65494.

Submissions (2):

Illumina Laboratory Services, Illumina
Classification: Benign for Brachydactyly. Last evaluated: 2018-01-13. Review status: criteria provided, single submitter. Criteria: ICSL Variant Classification Criteria 13 December 2019. Collection method: clinical testing. Allele origin: germline.
Comment: This variant was observed in the ICSL laboratory as part of a predisposition screen in an ostensibly healthy population. It had not been previously curated by ICSL or reported in the Human Gene Mutation Database (HGMD: prior to June 1st, 2018), and was therefore a candidate for classification through an automated scoring system. Utilizing variant allele frequency, disease prevalence and penetrance estimates, and inheritance mode, an automated score was calculated to assess if this variant is too frequent to cause the disease. Based on the score and internal cut-off values, a variant classified as benign is not then subjected to further curation. The score for this variant resulted in a classification of benign for this disease.

Breakthrough Genomics
Classification: Benign. Review status: criteria provided, single submitter. Criteria: ACMG Guidelines, 2015. Collection method: not provided. Allele origin: germline. Inheritance: Autosomal recessive inheritance. Affected: yes.